The following is an entry in ClinVar:

NM_001005242.3(PKP2):c.2470G>A (p.Val824Ile)

Gene: PKP2 (plakophilin 2; minus strand). Cytogenetic location: 12p11.21.
Variant type: single nucleotide variant.
Coding change: c.2470G>A on transcript NM_001005242.3 (MANE Select); coding-DNA position 2470, G replaced by A.
Protein change: p.Val824Ile; replaces valine 824 with isoleucine.
Molecular consequence: missense variant. On other transcripts: synonymous variant (2).
Genome position (GRCh38, 1-based): chr12:32,792,468, C>T on the plus strand (G>A on the coding strand, the complement: PKP2 is on the minus strand). VCF-style: chr12-32792468-C-T. GRCh37 (hg19) VCF-style: chr12-32945402-C-T.
Other names: c.2280G>A, p.Leu760= (NM_001407155.1); c.2305G>A, p.Val769Ile (NM_001407156.1); c.2143G>A, p.Val715Ile (NM_001407158.1, NM_001407159.1); c.1953G>A, p.Leu651= (NM_001407160.1); c.2602G>A, p.Val868Ile (NM_004572.4); short protein forms V824I, V868I, V715I, V769I.
Identifiers: ClinVar variation 1982915 (VCV001982915.5), dbSNP rs2541184253, ClinGen allele CA384356759.
Genomic context (GRCh38, chr12:32,792,468, plus strand): 5'-TACTTTGTCATTTTCCTCAGTCTTTAAGGGAGTGGTAGGCTTTGGCAGTCCGGCTGTTGA[C>T]AAAATCTGTCTTCTTAAACTGAGCCTTTGGAATAAGCAAACAGAAACGTGAAAGGTAACA-3'
Protein context (NP_001005242.2, residues 814-834): KKAQFKKTDF[Val824Ile]NSRTAKAYHS

ClinVar aggregate classification (germline): Uncertain significance. Review status: criteria provided, multiple submitters, no conflicts (2 of 4 stars). 2 submissions from 2 submitters: Uncertain significance (2). Last evaluated 2024-08-12.

Conditions:
Arrhythmogenic right ventricular dysplasia 9 (ARVD9). Also called: Arrhythmogenic Right Ventricular Dysplasia/Cardiomyopathy 9; ARRHYTHMOGENIC RIGHT VENTRICULAR DYSPLASIA, FAMILIAL, 9. Identifiers: MedGen C1836906, MONDO:0012180, OMIM 609040.
Cardiomyopathy (CMYO). Also called: Cardiomyopathies. Identifiers: Orphanet 167848, MedGen C0878544, MONDO:0004994, HP:0001638. Inheritance: Various modes of inheritance.

Submissions (2):

Color Diagnostics, LLC DBA Color Health
Classification: Uncertain significance for Cardiomyopathy. Last evaluated: 2024-08-12. Review status: criteria provided, single submitter. Criteria: ACMG Guidelines, 2015. Collection method: clinical testing. Allele origin: germline.
Comment: This missense variant replaces valine with isoleucine at codon 868 of the PKP2 protein. Computational prediction suggests that this variant may not impact protein structure and function (internally defined REVEL score threshold <= 0.5, PMID: 27666373). To our knowledge, functional studies have not been reported for this variant. This variant has not been reported in individuals affected with PKP2-related disorders in the literature. This variant has not been identified in the general population by the Genome Aggregation Database (gnomAD). The available evidence is insufficient to determine the role of this variant in disease conclusively. Therefore, this variant is classified as a Variant of Uncertain Significance.

Labcorp Genetics (formerly Invitae), Labcorp
Classification: Uncertain significance for Arrhythmogenic right ventricular dysplasia 9. Last evaluated: 2023-05-11. Review status: criteria provided, single submitter. Criteria: Invitae Variant Classification Sherloc (09022015). Collection method: clinical testing. Allele origin: germline.
Comment: This sequence change replaces valine, which is neutral and non-polar, with isoleucine, which is neutral and non-polar, at codon 868 of the PKP2 protein (p.Val868Ile). This variant is not present in population databases (gnomAD no frequency). This variant has not been reported in the literature in individuals affected with PKP2-related conditions. ClinVar contains an entry for this variant (Variation ID: 1982915). An algorithm developed to predict the effect of missense changes on protein structure and function (PolyPhen-2) suggests that this variant is likely to be tolerated. In summary, the available evidence is currently insufficient to determine the role of this variant in disease. Therefore, it has been classified as a Variant of Uncertain Significance.